The following is an entry in ClinVar:

ClinVar aggregate classification (germline): Likely pathogenic (1 of 4 stars; one submission).

Conditions:
Mucopolysaccharidosis, MPS-IV-A (MPS4A). Also called: Mucopolysaccharidosis type IV A; Mucopolysaccharidosis Type IVA; Morquio syndrome A, mild; MORQUIO SYNDROME A; MPS IVA; mucopolysaccharidosis type 4A. Identifiers: Orphanet 309297, Orphanet 582, MedGen C0086651, MONDO:0009659, OMIM 253000.

Allele frequency attached by ClinVar (database versions not stated): gnomAD exomes below 0.00001.
gnomAD v4.1: 2 of 1,612,790 alleles (0.00012%); highest among the groups gnomAD compares: Non-Finnish European, 0.00017%; no homozygotes.

Submission:

Laboratory of Diagnosis and Therapy of Lysosomal Disorders, University of Padova
Classification: Likely pathogenic for Mucopolysaccharidosis, MPS-IV-A. Last evaluated: 2021-02-01. Review status: criteria provided, single submitter. Criteria: ACMG Guidelines, 2015. Collection method: curation. Allele origin: germline. Affected: yes.
Comment: The prevalence of the variant in affected individuals is significantly increased compared with the prevalence in controls (PS4_moderate); located in a mutational hot spot and/or critical and well-established functional domain without benign variation (PM1_moderate); very low frequency in gnomAD v2.1.1 (PM2_moderate); multiple lines of computational evidence support a deleterious effect on the gene (PP3_supporting)

Literature cited by the submitters: PubMed 15309681; PubMed 22178352; PubMed 34387910.

NM_000512.5(GALNS):c.236G>A (p.Cys79Tyr)

Gene: GALNS (galactosamine (N-acetyl)-6-sulfatase; minus strand). Cytogenetic location: 16q24.3.
Variant type: single nucleotide variant.
Coding change: c.236G>A on transcript NM_000512.5 (MANE Select); coding-DNA position 236, G replaced by A.
Protein change: p.Cys79Tyr; replaces cysteine 79 with tyrosine.
Molecular consequence: missense variant. On other transcripts: intron variant (1).
Genome position (GRCh38, 1-based): chr16:88,842,714, C>T on the plus strand (G>A on the coding strand, the complement: GALNS is on the minus strand). VCF-style: chr16-88842714-C-T. GRCh37 (hg19) VCF-style: chr16-88909122-C-T.
Other names: c.254G>A, p.Cys85Tyr (NM_001323544.2); c.-311-743G>A (NM_001323543.2); short protein forms C79Y, C85Y.
Identifiers: ClinVar variation 1048388 (VCV001048388.3), dbSNP rs1263679818, ClinGen allele CA397091170.